The following is an entry in ClinVar:

ClinVar aggregate classification (germline): Uncertain significance (1 of 4 stars; one submission).

Conditions:
Hereditary cancer-predisposing syndrome. Also called: Neoplastic Syndromes, Hereditary; Tumor predisposition; Hereditary Cancer Syndrome; Hereditary neoplastic syndrome. Identifiers: Orphanet 140162, MedGen C0027672, MeSH D009386, MONDO:0015356.

Submission:

Ambry Genetics
Classification: Uncertain significance for Hereditary cancer-predisposing syndrome. Last evaluated: 2022-01-26. Review status: criteria provided, single submitter. Criteria: Ambry Variant Classification Scheme 2023. Collection method: clinical testing. Allele origin: germline.
Comment: The p.M375I variant (also known as c.1125G>A), located in coding exon 12 of the NF2 gene, results from a G to A substitution at nucleotide position 1125. The methionine at codon 375 is replaced by isoleucine, an amino acid with highly similar properties. This amino acid position is conserved. In addition, the in silico prediction for this alteration is inconclusive. Since supporting evidence is limited at this time, the clinical significance of this alteration remains unclear.

NM_000268.4(NF2):c.1125G>A (p.Met375Ile)

Gene: NF2 (NF2, moesin-ezrin-radixin like (MERLIN) tumor suppressor; plus strand). Cytogenetic location: 22q12.2.
Variant type: single nucleotide variant.
Coding change: c.1125G>A on transcript NM_000268.4 (MANE Select); coding-DNA position 1125, G replaced by A.
Protein change: p.Met375Ile; replaces methionine 375 with isoleucine.
Molecular consequence: missense variant. On other transcripts: non-coding transcript variant (1), intron variant (1).
Genome position (GRCh38, 1-based): chr22:29,673,271, G>A. VCF-style: chr22-29673271-G-A. GRCh37 (hg19) VCF-style: chr22-30069260-G-A.
Other names: c.1011G>A, p.Met337Ile (NM_001407053.1, NM_001407056.1); c.1002G>A, p.Met334Ile (NM_001407054.1, NM_001407058.1, NM_181829.3); c.999G>A, p.Met333Ile (NM_001407055.1, NM_181828.3); c.990G>A, p.Met330Ile (NM_001407057.1, NM_001407059.1); c.1125G>A, p.Met375Ile (NM_001407060.1, NM_001407066.1, NM_016418.5 and 2 more transcripts); c.867G>A, p.Met289Ile (NM_001407062.1); c.876G>A, p.Met292Ile (NM_001407063.1, NM_001407064.1, NM_181830.3 and 1 more transcripts); c.591G>A, p.Met197Ile (NM_001407065.1); and 2 more; short protein forms M375I, M197I, M337I, M298I, M333I, M289I, M292I, M330I.
Identifiers: ClinVar variation 1798995 (VCV001798995.2), dbSNP rs2518678900, ClinGen allele CA411147962.